The following is an entry in ClinVar:

ClinVar aggregate classification (germline): Uncertain significance. Review status: criteria provided, multiple submitters, no conflicts (2 of 4 stars). 6 submissions from 6 submitters: Uncertain significance (6). Last evaluated 2025-08-07.

Conditions:
Pulmonary arterial hypertension. Identifiers: Orphanet 182090, MedGen C2973725, MeSH D000081029, MONDO:0015924, HP:0002092.
Juvenile polyposis syndrome (JPS). Identifiers: Orphanet 2929, MedGen C0345893, MONDO:0017380, OMIM 174900.
Hereditary cancer-predisposing syndrome. Also called: Hereditary neoplastic syndrome; Tumor predisposition; Hereditary Cancer Syndrome; Neoplastic Syndromes, Hereditary. Identifiers: Orphanet 140162, MedGen C0027672, MeSH D009386, MONDO:0015356.
Polyposis syndrome, hereditary mixed, 2. Identifiers: Orphanet 157794, MedGen C1864730, MONDO:0012405, OMIM 610069.

Allele frequency attached by ClinVar (database versions not stated): gnomAD 0.00001; TOPMed 0.00001.
gnomAD v4.1: 1 of 1,614,066 alleles (0.000062%); highest among the groups gnomAD compares: Non-Finnish European, 0.000085%; no homozygotes.

Submissions (6):

Labcorp Genetics (formerly Invitae), Labcorp
Classification: Uncertain significance for Juvenile polyposis syndrome. Last evaluated: 2025-08-07. Review status: criteria provided, single submitter. Criteria: Invitae Variant Classification Sherloc (09022015). Collection method: clinical testing. Allele origin: germline.
Comment: This sequence change replaces asparagine, which is neutral and polar, with lysine, which is basic and polar, at codon 420 of the BMPR1A protein (p.Asn420Lys). This variant is not present in population databases (gnomAD no frequency). This variant has not been reported in the literature in individuals affected with BMPR1A-related conditions. ClinVar contains an entry for this variant (Variation ID: 581263). Invitae Evidence Modeling incorporating data from in vitro experimental studies (internal data) indicates that this missense variant is not expected to disrupt BMPR1A function with a negative predictive value of 95%. In summary, the available evidence is currently insufficient to determine the role of this variant in disease. Therefore, it has been classified as a Variant of Uncertain Significance.

Department of Pathology and Laboratory Medicine, Sinai Health System
Classification: Uncertain significance for pulmonary arterial hypertension. Last evaluated: 2025-01-24. Review status: criteria provided, single submitter. Criteria: ACMG Guidelines, 2015. Collection method: clinical testing. Allele origin: germline.

Ambry Genetics
Classification: Uncertain significance for Hereditary cancer-predisposing syndrome. Last evaluated: 2024-11-09. Review status: criteria provided, single submitter. Criteria: Ambry Variant Classification Scheme 2023. Collection method: clinical testing. Allele origin: germline.
Comment: The p.N420K variant (also known as c.1260C>G), located in coding exon 9 of the BMPR1A gene, results from a C to G substitution at nucleotide position 1260. The asparagine at codon 420 is replaced by lysine, an amino acid with similar properties. This amino acid position is well conserved in available vertebrate species. In addition, this alteration is predicted to be tolerated by in silico analysis. Since supporting evidence is limited at this time, the clinical significance of this alteration remains unclear.

All of Us Research Program, National Institutes of Health
Classification: Uncertain significance for Juvenile polyposis syndrome. Last evaluated: 2024-04-16. Review status: criteria provided, single submitter. Criteria: ACMG Guidelines, 2015. Collection method: clinical testing. Allele origin: germline. Inheritance: Autosomal dominant inheritance. Observed: 3 variant alleles, 3 heterozygotes.
Comment: This missense variant replaces asparagine with lysine at codon 420 of the BMPR1A protein. Computational prediction suggests that this variant may not impact protein structure and function (internally defined REVEL score threshold <= 0.5, PMID: 27666373). To our knowledge, functional studies have not been reported for this variant. This variant has not been reported in individuals affected with BMPR1A-related disorders in the literature. This variant has not been identified in the general population by the Genome Aggregation Database (gnomAD). The available evidence is insufficient to determine the role of this variant in disease conclusively. Therefore, this variant is classified as a Variant of Uncertain Significance.

This study involves interpretation of variants in research participants for the purpose of population health screening. Participant phenotype was not available at the time of variant classification. Additional details can be found in publication PMID: 35346344, PMCID: PMC8962531

Color Diagnostics, LLC DBA Color Health
Classification: Uncertain significance for Hereditary cancer-predisposing syndrome. Last evaluated: 2024-03-07. Review status: criteria provided, single submitter. Criteria: ACMG Guidelines, 2015. Collection method: clinical testing. Allele origin: germline.
Comment: This missense variant replaces asparagine with lysine at codon 420 of the BMPR1A protein. Computational prediction suggests that this variant may not impact protein structure and function (internally defined REVEL score threshold <= 0.5, PMID: 27666373). To our knowledge, functional studies have not been reported for this variant. This variant has not been reported in individuals affected with BMPR1A-related disorders in the literature. This variant has not been identified in the general population by the Genome Aggregation Database (gnomAD). The available evidence is insufficient to determine the role of this variant in disease conclusively. Therefore, this variant is classified as a Variant of Uncertain Significance.

Baylor Genetics
Classification: Uncertain significance for Polyposis syndrome, hereditary mixed, 2. Last evaluated: 2023-10-06. Review status: criteria provided, single submitter. Criteria: ACMG Guidelines, 2015. Collection method: clinical testing. Allele origin: unknown.

NM_004329.3(BMPR1A):c.1260C>G (p.Asn420Lys)

Gene: BMPR1A (bone morphogenetic protein receptor type 1A; plus strand). Cytogenetic location: 10q23.2.
Variant type: single nucleotide variant.
Coding change: c.1260C>G on transcript NM_004329.3 (MANE Select); coding-DNA position 1260, C replaced by G.
Protein change: p.Asn420Lys; replaces asparagine 420 with lysine.
Molecular consequence: missense variant.
Genome position (GRCh38, 1-based): chr10:86,921,613, C>G. VCF-style: chr10-86921613-C-G. GRCh37 (hg19) VCF-style: chr10-88681370-C-G.
Other names: short protein forms N420K.
Identifiers: ClinVar variation 581263 (VCV000581263.22), dbSNP rs876660798, ClinGen allele CA377462142.